The following is an entry in ClinVar:

NM_004304.5(ALK):c.2269G>C (p.Val757Leu)

Gene: ALK (ALK receptor tyrosine kinase; minus strand). Cytogenetic location: 2p23.2.
Variant type: single nucleotide variant.
Coding change: c.2269G>C on transcript NM_004304.5 (MANE Select); coding-DNA position 2269, G replaced by C.
Protein change: p.Val757Leu; replaces valine 757 with leucine.
Molecular consequence: missense variant.
Genome position (GRCh38, 1-based): chr2:29,239,766, C>G on the plus strand (G>C on the coding strand, the complement: ALK is on the minus strand). VCF-style: chr2-29239766-C-G. GRCh37 (hg19) VCF-style: chr2-29462632-C-G.
Other names: short protein forms V757L.
Identifiers: ClinVar variation 3655210 (VCV003655210.2).

ClinVar aggregate classification (germline): Uncertain significance (1 of 4 stars; one submission).

Conditions:
Neuroblastoma, susceptibility to, 3. Also called: ALK-Related Neuroblastic Tumor Susceptibility. Identifiers: Orphanet 635, MedGen C2751681, MONDO:0013083, OMIM 613014.

Submission:

Labcorp Genetics (formerly Invitae), Labcorp
Classification: Uncertain significance for Neuroblastoma, susceptibility to, 3. Last evaluated: 2024-02-15. Review status: criteria provided, single submitter. Criteria: Invitae Variant Classification Sherloc (09022015). Collection method: clinical testing. Allele origin: germline.
Comment: This sequence change replaces valine, which is neutral and non-polar, with leucine, which is neutral and non-polar, at codon 757 of the ALK protein (p.Val757Leu). This variant is not present in population databases (gnomAD no frequency). This variant has not been reported in the literature in individuals affected with ALK-related conditions. An algorithm developed to predict the effect of missense changes on protein structure and function (PolyPhen-2) suggests that this variant is likely to be disruptive. In summary, the available evidence is currently insufficient to determine the role of this variant in disease. Therefore, it has been classified as a Variant of Uncertain Significance.